The following is an entry in ClinVar:

NM_018972.4(GDAP1):c.793A>G (p.Arg265Gly)

Gene: GDAP1 (ganglioside induced differentiation associated protein 1; plus strand). Cytogenetic location: 8q21.11.
Variant type: single nucleotide variant.
Coding change: c.793A>G on transcript NM_018972.4 (MANE Select); coding-DNA position 793, A replaced by G.
Protein change: p.Arg265Gly; replaces arginine 265 with glycine.
Molecular consequence: missense variant. On other transcripts: intron variant (1).
Genome position (GRCh38, 1-based): chr8:74,364,083, A>G. VCF-style: chr8-74364083-A-G. GRCh37 (hg19) VCF-style: chr8-75276318-A-G.
Other names: c.589A>G, p.Arg197Gly (NM_001040875.4); c.466A>G, p.Arg156Gly (NM_001362929.2, NM_001362932.2); c.619A>G, p.Arg207Gly (NM_001362930.2); c.694+1030A>G (NM_001362931.2); short protein forms R156G, R197G, R207G, R265G.
Identifiers: ClinVar variation 1721548 (VCV001721548.5), dbSNP rs2536750281, ClinGen allele CA371550252.

ClinVar aggregate classification (germline): Uncertain significance (1 of 4 stars; one submission).

Conditions:
Charcot-Marie-Tooth disease type 4A. Also called: Charcot-Marie-Tooth disease, demyelinating, autosomal recessive, type 4a. Identifiers: Orphanet 99948, MedGen C1859198, MONDO:0008961, OMIM 214400.

Submission:

Labcorp Genetics (formerly Invitae), Labcorp
Classification: Uncertain significance for Charcot-Marie-Tooth disease type 4A. Last evaluated: 2022-11-15. Review status: criteria provided, single submitter. Criteria: Invitae Variant Classification Sherloc (09022015). Collection method: clinical testing. Allele origin: germline.
Comment: In summary, the available evidence is currently insufficient to determine the role of this variant in disease. Therefore, it has been classified as a Variant of Uncertain Significance. Algorithms developed to predict the effect of missense changes on protein structure and function are either unavailable or do not agree on the potential impact of this missense change (SIFT: "Tolerated"; PolyPhen-2: "Probably Damaging"; Align-GVGD: "Class C0"). This missense change has been observed in individual(s) with clinical features of Charcot-Marie-Tooth disease (Invitae). In at least one individual the data is consistent with being in trans (on the opposite chromosome) from a pathogenic variant. This variant is not present in population databases (gnomAD no frequency). This sequence change replaces arginine, which is basic and polar, with glycine, which is neutral and non-polar, at codon 265 of the GDAP1 protein (p.Arg265Gly).